The following is an entry in ClinVar:

NM_020638.3(FGF23):c.*553C>A

Gene: FGF23 (fibroblast growth factor 23; minus strand). Cytogenetic location: 12p13.32.
Variant type: single nucleotide variant.
Coding change: c.*553C>A on transcript NM_020638.3 (MANE Select); 553 bases downstream of the stop codon, C replaced by A.
Molecular consequence: 3 prime UTR variant.
Genome position (GRCh38, 1-based): chr12:4,369,790, G>T on the plus strand (C>A on the coding strand, the complement: FGF23 is on the minus strand). VCF-style: chr12-4369790-G-T. GRCh37 (hg19) VCF-style: chr12-4478956-G-T.
Identifiers: ClinVar variation 308788 (VCV000308788.5), dbSNP rs80210924, ClinGen allele CA10632772.

ClinVar aggregate classification (germline): Benign. Review status: criteria provided, single submitter (1 of 4 stars). 2 submissions from 1 submitter: Benign (2). Last evaluated 2018-01-13.

Conditions:
Autosomal dominant hypophosphatemic rickets (ADHR). Also called: HYPOPHOSPHATEMIA, AUTOSOMAL DOMINANT; VITAMIN D-RESISTANT RICKETS, AUTOSOMAL DOMINANT. Identifiers: Orphanet 89937, MedGen C0342642, MONDO:0008660, OMIM 193100.
Tumoral calcinosis, hyperphosphatemic, familial, 2. Identifiers: MedGen C4693863, MONDO:0060714, OMIM 617993.

Allele frequency attached by ClinVar (database versions not stated): gnomAD 0.00163; TOPMed 0.00206; gnomAD exomes 0.00210; 1000 Genomes Project 30x 0.00390; 1000 Genomes Project 0.00479.
gnomAD v4.1: 324 of 229,952 alleles (0.14%); highest among the groups gnomAD compares: East Asian, 1.6%; 4 homozygotes.

Submissions (2):

Illumina Laboratory Services, Illumina
Classification: Benign for Tumoral calcinosis, hyperphosphatemic, familial, 2. Last evaluated: 2018-01-13. Review status: criteria provided, single submitter. Criteria: ICSL Variant Classification Criteria 13 December 2019. Collection method: clinical testing. Allele origin: germline.
Comment: This variant was observed in the ICSL laboratory as part of a predisposition screen in an ostensibly healthy population. It had not been previously curated by ICSL or reported in the Human Gene Mutation Database (HGMD: prior to June 1st, 2018), and was therefore a candidate for classification through an automated scoring system. Utilizing variant allele frequency, disease prevalence and penetrance estimates, and inheritance mode, an automated score was calculated to assess if this variant is too frequent to cause the disease. Based on the score and internal cut-off values, a variant classified as benign is not then subjected to further curation. The score for this variant resulted in a classification of benign for this disease.

Illumina Laboratory Services, Illumina
Classification: Benign for Autosomal dominant hypophosphatemic rickets. Last evaluated: 2018-01-13. Review status: criteria provided, single submitter. Criteria: ICSL Variant Classification Criteria 13 December 2019. Collection method: clinical testing. Allele origin: germline.
Comment: the same text as in the submission from Illumina Laboratory Services, Illumina above.